The following is an entry in ClinVar:

NM_000245.4(MET):c.2805T>A (p.Ile935=)

Gene: MET (MET proto-oncogene, receptor tyrosine kinase; plus strand). Cytogenetic location: 7q31.2.
Variant type: single nucleotide variant.
Coding change: c.2805T>A on transcript NM_000245.4 (MANE Select); coding-DNA position 2805, T replaced by A.
Protein change: p.Ile935=; no amino-acid change (isoleucine 935 retained).
Molecular consequence: synonymous variant.
Genome position (GRCh38, 1-based): chr7:116,771,572, T>A. VCF-style: chr7-116771572-T-A. GRCh37 (hg19) VCF-style: chr7-116411626-T-A.
Other names: c.2859T>A (LRG_662t1); c.2859T>A, p.Ile953= (NM_001127500.3); c.1515T>A, p.Ile505= (NM_001324402.2).
Identifiers: ClinVar variation 246608 (VCV000246608.14), dbSNP rs763131600, ClinGen allele CA4448587.

ClinVar aggregate classification (germline): Benign/Likely benign. Review status: criteria provided, multiple submitters, no conflicts (2 of 4 stars). 4 submissions from 4 submitters: Benign (1); Likely benign (3). Last evaluated 2024-11-12.

Conditions:
Renal cell carcinoma. Identifiers: Orphanet 217071, MedGen C0007134, MeSH D002292, MONDO:0005086, HP:0005584.
Hereditary cancer-predisposing syndrome. Also called: Hereditary neoplastic syndrome; Neoplastic Syndromes, Hereditary; Tumor predisposition; Hereditary Cancer Syndrome. Identifiers: Orphanet 140162, MedGen C0027672, MeSH D009386, MONDO:0015356.
Papillary renal cell carcinoma type 1 (RCCP1). Also called: RENAL CELL CARCINOMA, PAPILLARY, 1, SOMATIC; Renal adenocarcinoma; Renal cell carcinoma 1; Renal cell carcinoma, somatic. Identifiers: Orphanet 47044, MedGen C1336839, OMIM 605074, HP:0011797.

Allele frequency attached by ClinVar (database versions not stated): gnomAD exomes below 0.00001; ExAC 0.00001; gnomAD 0.00001.
gnomAD v4.1: 7 of 1,613,832 alleles (0.00043%); highest among the groups gnomAD compares: Non-Finnish European, 0.00051%; no homozygotes.

Submissions (4):

Myriad Genetics, Inc.
Classification: Benign for Papillary renal cell carcinoma type 1. Last evaluated: 2024-11-12. Review status: criteria provided, single submitter. Criteria: Myriad Autosomal Dominant, Autosomal Recessive and X-Linked Classification Criteria (2023). Collection method: clinical testing. Allele origin: unknown.
Comment: This variant is considered benign. This variant is a silent/synonymous amino acid change and it is not expected to impact splicing.

Labcorp Genetics (formerly Invitae), Labcorp
Classification: Likely benign for Renal cell carcinoma. Last evaluated: 2024-05-12. Review status: criteria provided, single submitter. Criteria: Invitae Variant Classification Sherloc (09022015). Collection method: clinical testing. Allele origin: germline.

Ambry Genetics
Classification: Likely benign for Hereditary cancer-predisposing syndrome. Last evaluated: 2022-02-12. Review status: criteria provided, single submitter. Criteria: Ambry Variant Classification Scheme 2023. Collection method: clinical testing. Allele origin: germline.

GeneDx
Classification: Likely benign. Last evaluated: 2019-03-25. Review status: criteria provided, single submitter. Criteria: GeneDx Variant Classification Process June 2021. Collection method: clinical testing. Allele origin: germline. Affected: yes.
Comment: See Variant Classification Assertion Criteria.